The following is an entry in ClinVar:

NM_024570.4(RNASEH2B):c.742-1_742delinsAC

Gene: RNASEH2B (ribonuclease H2 subunit B; plus strand). Cytogenetic location: 13q14.3.
Variant type: Indel.
Coding change: c.742-1_742delinsAC on transcript NM_024570.4 (MANE Select); the canonical splice acceptor site of the intron before coding-DNA position 742 through coding-DNA position 742, GA replaced by AC.
Molecular consequence: splice acceptor variant. On other transcripts: intron variant (1).
Genome position (GRCh38, 1-based): chr13:50,953,904-50,953,905, GA replaced by AC. VCF-style: chr13-50953904-GA-AC. GRCh37 (hg19) VCF-style: chr13-51528040-GA-AC.
Other names: c.741+4399_741+4400delinsAC (NM_001142279.2).
Identifiers: ClinVar variation 2114478 (VCV002114478.4), dbSNP rs2541543792, ClinGen allele CA2580087634.

ClinVar aggregate classification (germline): Likely pathogenic (1 of 4 stars; one submission).

Conditions:
Aicardi-Goutieres syndrome 2. Identifiers: Orphanet 51, MedGen C3489724, MONDO:0012429, OMIM 610181.

Submission:

Labcorp Genetics (formerly Invitae), Labcorp
Classification: Likely pathogenic for Aicardi-Goutieres syndrome 2. Last evaluated: 2024-03-04. Review status: criteria provided, single submitter. Criteria: Invitae Variant Classification Sherloc (09022015). Collection method: clinical testing. Allele origin: germline.
Comment: This variant results in the deletion of part of exon 10 (c.742-1_742delinsAC) of the RNASEH2B gene. It is expected to disrupt RNA splicing. Variants that disrupt the donor or acceptor splice site typically lead to a loss of protein function (PMID: 16199547), and loss-of-function variants in RNASEH2B are known to be pathogenic (PMID: 17846997). Information on the frequency of this variant in the gnomAD database is not available, as this variant may be reported differently in the database. This variant has not been reported in the literature in individuals affected with RNASEH2B-related conditions. ClinVar contains an entry for this variant (Variation ID: 2114478). In summary, the currently available evidence indicates that the variant is pathogenic, but additional data are needed to prove that conclusively. Therefore, this variant has been classified as Likely Pathogenic.

Literature cited by the submitters: PubMed 16199547; PubMed 17846997.